The following is an entry in ClinVar:

ClinVar aggregate classification (germline): Uncertain significance (1 of 4 stars; one submission).

Conditions:
Long QT syndrome (LQTS). Identifiers: MedGen C0023976, MeSH D008133, MONDO:0002442. Disease mechanism: loss of function. Inheritance: Various modes of inheritance.

gnomAD v4.1: 2 of 1,614,088 alleles (0.00012%); highest among the groups gnomAD compares: Non-Finnish European, 0.00017%; no homozygotes.

Submission:

Labcorp Genetics (formerly Invitae), Labcorp
Classification: Uncertain significance for Long QT syndrome. Last evaluated: 2024-10-10. Review status: criteria provided, single submitter. Criteria: Invitae Variant Classification Sherloc (09022015). Collection method: clinical testing. Allele origin: germline.
Comment: This sequence change replaces aspartic acid, which is acidic and polar, with glutamic acid, which is acidic and polar, at codon 3759 of the ANK2 protein (p.Asp3759Glu). This variant is present in population databases (rs747372236, gnomAD 0.0009%). This variant has not been reported in the literature in individuals affected with ANK2-related conditions. Invitae Evidence Modeling of protein sequence and biophysical properties (such as structural, functional, and spatial information, amino acid conservation, physicochemical variation, residue mobility, and thermodynamic stability) indicates that this missense variant is not expected to disrupt ANK2 protein function with a negative predictive value of 80%. In summary, the available evidence is currently insufficient to determine the role of this variant in disease. Therefore, it has been classified as a Variant of Uncertain Significance.

NM_001148.6(ANK2):c.11277C>A (p.Asp3759Glu)

Gene: ANK2 (ankyrin 2; plus strand). Cytogenetic location: 4q26.
Variant type: single nucleotide variant.
Coding change: c.11277C>A on transcript NM_001148.6 (MANE Select); coding-DNA position 11277, C replaced by A.
Protein change: p.Asp3759Glu; replaces aspartic acid 3759 with glutamic acid.
Molecular consequence: missense variant.
Genome position (GRCh38, 1-based): chr4:113,367,810, C>A. VCF-style: chr4-113367810-C-A. GRCh37 (hg19) VCF-style: chr4-114288966-C-A.
Other names: c.7677C>A, p.Asp2559Glu (NM_001386166.1); c.1422C>A, p.Asp474Glu (NM_001386167.1); c.11418C>A, p.Asp3806Glu (NM_001386174.1); c.11394C>A, p.Asp3798Glu (NM_001386175.1); c.5007C>A, p.Asp1669Glu (NM_001386186.2, NM_001386148.2); c.4887C>A, p.Asp1629Glu (NM_001386187.2); c.5022C>A, p.Asp1674Glu (NM_020977.5); c.4995C>A, p.Asp1665Glu (NM_001127493.3); and 35 more; short protein forms D1513E, D1579E, D1603E, D1612E, D1620E, D1627E, D1640E, D1664E.
Identifiers: ClinVar variation 3656373 (VCV003656373.2).